The following is an entry in ClinVar:

NM_006269.2(RP1):c.141A>G (p.Gln47=)

Gene: RP1 (RP1 axonemal microtubule associated; plus strand). Cytogenetic location: 8q12.1.
Variant type: single nucleotide variant.
Coding change: c.141A>G on transcript NM_006269.2 (MANE Select); coding-DNA position 141, A replaced by G.
Protein change: p.Gln47=; no amino-acid change (glutamine 47 retained).
Molecular consequence: synonymous variant.
Genome position (GRCh38, 1-based): chr8:54,621,107, A>G. VCF-style: chr8-54621107-A-G. GRCh37 (hg19) VCF-style: chr8-55533667-A-G.
Other names: c.141A>G, p.Gln47= (NM_001375654.1).
Identifiers: ClinVar variation 738055 (VCV000738055.13), dbSNP rs372249141, ClinGen allele CA4751089.

ClinVar aggregate classification (germline): Conflicting classifications of pathogenicity. Review status: criteria provided, conflicting classifications (1 of 4 stars). 4 submissions from 4 submitters: Uncertain significance (1); Likely benign (3). Last evaluated 2026-09-14.

Conditions:
RP1-related disorder. Also called: RP1-related condition.
Retinitis pigmentosa (RP). Identifiers: Orphanet 791, MedGen C0035334, MeSH D012174, MONDO:0019200, OMIM 268000. Inheritance: Autosomal dominant, autosomal recessive and X linked inheritance.

Allele frequency attached by ClinVar (database versions not stated): gnomAD 0.00004 and 0.00005; TOPMed 0.00005; ExAC 0.00006; ESP Exome Variant Server 0.00008.
gnomAD v4.1: 193 of 1,614,084 alleles (0.012%); highest among the groups gnomAD compares: South Asian, 0.041%; no homozygotes.

Submissions (4):

PreventionGenetics, part of Exact Sciences
Classification: Likely benign for RP1-related condition. Last evaluated: 2026-09-14. Review status: criteria provided, single submitter. Criteria: ACMG Guidelines, 2015. Collection method: clinical testing. Allele origin: germline.
Comment: This variant is classified as likely benign based on ACMG/AMP sequence variant interpretation guidelines (Richards et al. 2015 PMID: 25741868, with internal and published modifications).

Labcorp Genetics (formerly Invitae), Labcorp
Classification: Likely benign. Last evaluated: 2025-11-25. Review status: criteria provided, single submitter. Criteria: Invitae Variant Classification Sherloc (09022015). Collection method: clinical testing. Allele origin: germline.

Blueprint Genetics
Classification: Likely benign. Last evaluated: 2022-01-04. Review status: criteria provided, single submitter. Criteria: ACMG Guidelines, 2015. Collection method: clinical testing. Allele origin: germline.

Illumina Laboratory Services, Illumina
Classification: Uncertain significance for Retinitis pigmentosa. Last evaluated: 2018-01-13. Review status: criteria provided, single submitter. Criteria: ICSL Variant Classification Criteria 13 December 2019. Collection method: clinical testing. Allele origin: germline.